The following is an entry in ClinVar:

NC_000011.10:g.2002860C>T

Genes: H19 (H19 imprinted maternally expressed transcript; minus strand), H19-ICR (H19/IGF2 imprinting control region; plus strand), MRPL23 (mitochondrial ribosomal protein L23; plus strand). Cytogenetic location: 11p15.5.
Variant type: single nucleotide variant.
Molecular consequence: intron variant (on NM_001400176.1).
Genome position: GRCh38 VCF-style: chr11-2002860-C-T. GRCh37 (hg19) VCF-style: chr11-2024090-C-T.
Other names: c.498-8681C>T (NM_001400176.1).
Identifiers: ClinVar variation 4986034 (VCV004986034.1).

ClinVar aggregate classification (germline): Likely benign (1 of 4 stars; one submission).

Conditions:
H19-related disorder. Also called: H19-related condition.

Submission:

PreventionGenetics, part of Exact Sciences
Classification: Likely benign for H19-related condition. Last evaluated: 2026-03-26. Review status: criteria provided, single submitter. Criteria: ACMG Guidelines, 2015. Collection method: clinical testing. Allele origin: germline.
Comment: This variant is classified as likely benign based on ACMG/AMP sequence variant interpretation guidelines (Richards et al. 2015 PMID: 25741868, with internal and published modifications).